The following is an entry in ClinVar:

ClinVar aggregate classification (germline): Uncertain significance (1 of 4 stars; one submission).

Submission:

GeneDx
Classification: Uncertain significance. Last evaluated: 2026-01-23. Review status: criteria provided, single submitter. Criteria: GeneDx Variant Classification Process June 2021. Collection method: clinical testing. Allele origin: germline.
Comment: Not observed at significant frequency in large population cohorts (gnomAD); In silico analysis suggests that this missense variant does not alter protein structure/function; Has not been previously published as pathogenic or benign to our knowledge

NM_003745.2(SOCS1):c.110C>T (p.Ala37Val)

Genes: SOCS1 (suppressor of cytokine signaling 1; minus strand), LOC130058479 (ATAC-STARR-seq lymphoblastoid silent region 7198; plus strand). Cytogenetic location: 16p13.13.
Variant type: single nucleotide variant.
Coding change: c.110C>T on transcript NM_003745.2 (MANE Select); coding-DNA position 110, C replaced by T.
Protein change: p.Ala37Val; replaces alanine 37 with valine.
Molecular consequence: missense variant.
Genome position (GRCh38, 1-based): chr16:11,255,369, G>A on the plus strand (C>T on the coding strand, the complement: SOCS1 is on the minus strand). VCF-style: chr16-11255369-G-A. GRCh37 (hg19) VCF-style: chr16-11349226-G-A.
Other names: short protein forms A37V.
Identifiers: ClinVar variation 4975247 (VCV004975247.1).